The following is an entry in ClinVar:

ClinVar aggregate classification (germline): Benign/Likely benign. Review status: criteria provided, multiple submitters, no conflicts (2 of 4 stars). 2 submissions from 2 submitters: Benign (1); Likely benign (1). Last evaluated 2026-02-01.

Conditions:
Agammaglobulinemia 2, autosomal recessive (AGM2). Also called: AGAMMAGLOBULINEMIA, AUTOSOMAL RECESSIVE, DUE TO IGLL1 DEFECT. Identifiers: MedGen C3150750, MONDO:0013287, OMIM 613500.

Allele frequency attached by ClinVar (database versions not stated): 1000 Genomes Project 0.00140; 1000 Genomes Project 30x 0.00172.
gnomAD v4.1: 790 of 1,613,996 alleles (0.049%); highest among the groups gnomAD compares: South Asian, 0.83%; 10 homozygotes.

Submissions (2):

CeGaT Center for Human Genetics Tuebingen
Classification: Likely benign. Last evaluated: 2026-02-01. Review status: criteria provided, single submitter. Criteria: CeGaT Center For Human Genetics Tuebingen Variant Classification Criteria Version 2. Collection method: clinical testing. Allele origin: germline. Affected: yes. Observed: 1 variant allele.
Comment: IGLL1: BP4

Labcorp Genetics (formerly Invitae), Labcorp
Classification: Benign for Agammaglobulinemia 2, autosomal recessive. Last evaluated: 2025-12-17. Review status: criteria provided, single submitter. Criteria: Invitae Variant Classification Sherloc (09022015). Collection method: clinical testing. Allele origin: germline.

NM_020070.4(IGLL1):c.254G>T (p.Arg85Leu)

Gene: IGLL1 (immunoglobulin lambda like polypeptide 1; minus strand). Cytogenetic location: 22q11.23.
Variant type: single nucleotide variant.
Coding change: c.254G>T on transcript NM_020070.4 (MANE Select); coding-DNA position 254, G replaced by T.
Protein change: p.Arg85Leu; replaces arginine 85 with leucine.
Molecular consequence: missense variant. On other transcripts: intron variant (1).
Genome position (GRCh38, 1-based): chr22:23,575,035, C>A on the plus strand (G>T on the coding strand, the complement: IGLL1 is on the minus strand). VCF-style: chr22-23575035-C-A. GRCh37 (hg19) VCF-style: chr22-23917222-C-A.
Other names: c.257G>T, p.Arg86Leu (NM_001369906.1); c.207-1450G>T (NM_152855.3); short protein forms R85L, R86L.
Identifiers: ClinVar variation 1166212 (VCV001166212.13), dbSNP rs200178386, ClinGen allele CA10143362.